The following is an entry in ClinVar:

ClinVar aggregate classification (germline): Uncertain significance (1 of 4 stars; one submission).

Conditions:
Cardiovascular phenotype. Identifiers: MedGen CN230736.

Allele frequency attached by ClinVar (database versions not stated): gnomAD exomes below 0.00001; gnomAD 0.00001; TOPMed 0.00002.
gnomAD v4.1: 4 of 1,605,774 alleles (0.00025%); highest among the groups gnomAD compares: Admixed American, 0.0034%; no homozygotes.

Submission:

Ambry Genetics
Classification: Uncertain significance for Cardiovascular phenotype. Last evaluated: 2020-03-26. Review status: criteria provided, single submitter. Criteria: Ambry Variant Classification Scheme 2023. Collection method: clinical testing. Allele origin: germline.
Comment: The p.I21660V variant (also known as c.64978A>G), located in coding exon 166 of the TTN gene, results from an A to G substitution at nucleotide position 64978. The isoleucine at codon 21660 is replaced by valine, an amino acid with highly similar properties. This amino acid position is poorly conserved in available vertebrate species. In addition, this alteration is predicted to be tolerated by in silico analysis. Since supporting evidence is limited at this time, the clinical significance of this alteration remains unclear.

NM_001267550.2(TTN):c.92173A>G (p.Ile30725Val)

Genes: TTN (titin; minus strand), TTN-AS1 (TTN antisense RNA 1; plus strand). Cytogenetic location: 2q31.2.
Variant type: single nucleotide variant.
Coding change: c.92173A>G on transcript NM_001267550.2 (MANE Select); coding-DNA position 92173, A replaced by G.
Protein change: p.Ile30725Val; replaces isoleucine 30725 with valine.
Molecular consequence: missense variant.
Genome position (GRCh38, 1-based): chr2:178,549,453, T>C on the plus strand (A>G on the coding strand, the complement: TTN is on the minus strand). VCF-style: chr2-178549453-T-C. GRCh37 (hg19) VCF-style: chr2-179414180-T-C.
Other names: c.87250A>G, p.Ile29084Val (NM_001256850.1); c.64978A>G, p.Ile21660Val (NM_003319.4); c.84469A>G, p.Ile28157Val (NM_133378.4); c.65353A>G, p.Ile21785Val (NM_133432.3); c.65554A>G, p.Ile21852Val (NM_133437.4); short protein forms I29084V, I21785V, I21852V, I28157V, I21660V, I30725V.
Identifiers: ClinVar variation 1753849 (VCV001753849.2), dbSNP rs1279357858, ClinGen allele CA349494227.